The following is an entry in ClinVar:

NM_015559.3(SETBP1):c.4259_4273dup (p.Lys1424_Lys1425insIleLeuSerThrLys)

Gene: SETBP1 (SET binding protein 1; plus strand). Cytogenetic location: 18q12.3.
Variant type: Duplication.
Coding change: c.4259_4273dup on transcript NM_015559.3 (MANE Select); coding-DNA positions 4259 to 4273, 15 bases duplicated (TCCTGTCCACCAAGA).
Protein change: p.Lys1424_Lys1425insIleLeuSerThrLys.
Genome position (GRCh38, 1-based): chr18:45,063,166-45,063,180, TCCTGTCCACCAAGA duplicated; duplicating any 15 consecutive bases within chr18:45,063,158-45,063,180 gives the same sequence; the c. name uses the placement nearest the transcript's 3' end. VCF-style (leftmost placement, unchanged base first): chr18-45063157-A-ACACCAAGATCCTGTC. GRCh37 (hg19) VCF-style: chr18-42643122-A-ACACCAAGATCCTGTC.
Other names: c.4259_4273dup, p.Lys1424_Lys1425insIleLeuSerThrLys (NM_001379141.1, NM_001379142.1); c.4088_4102dup, p.Lys1367_Lys1368insIleLeuSerThrLys (NM_001410862.1).
Identifiers: ClinVar variation 3644087 (VCV003644087.2).

ClinVar aggregate classification (germline): Uncertain significance (1 of 4 stars; one submission).

Submission:

Labcorp Genetics (formerly Invitae), Labcorp
Classification: Uncertain significance. Last evaluated: 2024-03-02. Review status: criteria provided, single submitter. Criteria: Invitae Variant Classification Sherloc (09022015). Collection method: clinical testing. Allele origin: germline.
Comment: This variant, c.4259_4273dup, results in the insertion of 5 amino acid(s) of the SETBP1 protein (p.Ile1420_Lys1424dup), but otherwise preserves the integrity of the reading frame. This variant is not present in population databases (gnomAD no frequency). This variant has not been reported in the literature in individuals affected with SETBP1-related conditions. In summary, the available evidence is currently insufficient to determine the role of this variant in disease. Therefore, it has been classified as a Variant of Uncertain Significance.